The following is an entry in ClinVar:

ClinVar aggregate classification (germline): Uncertain significance (1 of 4 stars; one submission).

gnomAD v4.1: 17 of 1,457,588 alleles (0.0012%); highest among the groups gnomAD compares: Non-Finnish European, 0.0015%; no homozygotes.

Submission:

CeGaT Center for Human Genetics Tuebingen
Classification: Uncertain significance. Last evaluated: 2024-02-01. Review status: criteria provided, single submitter. Criteria: CeGaT Center For Human Genetics Tuebingen Variant Classification Criteria Version 2. Collection method: clinical testing. Allele origin: germline. Affected: yes. Observed: 1 variant allele.
Comment: ZFHX2: PM2, BP4

NM_033400.3(ZFHX2):c.6613C>A (p.Pro2205Thr)

Genes: THTPA (thiamine triphosphatase; plus strand), ZFHX2 (zinc finger homeobox 2; minus strand). Cytogenetic location: 14q11.2.
Variant type: single nucleotide variant.
Coding change: c.6613C>A on transcript NM_033400.3 (MANE Select); coding-DNA position 6613, C replaced by A.
Protein change: p.Pro2205Thr; replaces proline 2205 with threonine.
Molecular consequence: missense variant.
Genome position (GRCh38, 1-based): chr14:23,523,329, G>T on the plus strand (C>A on the coding strand, the complement: ZFHX2 is on the minus strand). VCF-style: chr14-23523329-G-T. GRCh37 (hg19) VCF-style: chr14-23992538-G-T.
Other names: short protein forms P2205T.
Identifiers: ClinVar variation 3027155 (VCV003027155.22), dbSNP rs1878285351, ClinGen allele CA389016191.